The following is an entry in ClinVar:

ClinVar aggregate classification (germline): Uncertain significance (1 of 4 stars; one submission).

Conditions:
Werner syndrome (WRN). Identifiers: Orphanet 902, MedGen C0043119, MONDO:0010196, OMIM 277700.

Allele frequency attached by ClinVar (database versions not stated): ExAC 0.00001; gnomAD 0.00001; TOPMed 0.00001.
gnomAD v4.1: 2 of 1,613,132 alleles (0.00012%); highest among the groups gnomAD compares: African/African-American, 0.0013%; no homozygotes.

Submission:

Labcorp Genetics (formerly Invitae), Labcorp
Classification: Uncertain significance for Werner syndrome. Last evaluated: 2019-10-24. Review status: criteria provided, single submitter. Criteria: Invitae Variant Classification Sherloc (09022015). Collection method: clinical testing. Allele origin: germline.
Comment: In summary, the available evidence is currently insufficient to determine the role of this variant in disease. Therefore, it has been classified as a Variant of Uncertain Significance. This sequence change replaces threonine with lysine at codon 1345 of the WRN protein (p.Thr1345Lys). The threonine residue is weakly conserved and there is a moderate physicochemical difference between threonine and lysine. This variant is present in population databases (rs759390217, ExAC 0.01%). This variant has not been reported in the literature in individuals with WRN-related disease. Algorithms developed to predict the effect of missense changes on protein structure and function do not agree on the potential impact of this missense change (SIFT: "Tolerated"; PolyPhen-2: "Possibly Damaging"; Align-GVGD: "Class C0").

NM_000553.6(WRN):c.4034C>A (p.Thr1345Lys)

Gene: WRN (WRN RecQ like helicase; plus strand). Cytogenetic location: 8p12.
Variant type: single nucleotide variant.
Coding change: c.4034C>A on transcript NM_000553.6 (MANE Select); coding-DNA position 4034, C replaced by A.
Protein change: p.Thr1345Lys; replaces threonine 1345 with lysine.
Molecular consequence: missense variant.
Genome position (GRCh38, 1-based): chr8:31,167,073, C>A. VCF-style: chr8-31167073-C-A. GRCh37 (hg19) VCF-style: chr8-31024589-C-A.
Other names: short protein forms T1345K.
Identifiers: ClinVar variation 578574 (VCV000578574.6), dbSNP rs759390217, ClinGen allele CA4705249.